The following is an entry in ClinVar:

NC_000002.11:g.(?_179389716)_(179673150_?)dup

Gene: TTN (titin; minus strand). Cytogenetic location: 2q31.2.
Variant type: Duplication.
Identifiers: ClinVar variation 999348 (VCV000999348.1).

ClinVar aggregate classification (germline): Uncertain significance (1 of 4 stars; one submission).

Conditions:
Dilated cardiomyopathy 1G (CMD1G). Identifiers: Orphanet 154, MedGen C1858763, MONDO:0011400, OMIM 604145.
Autosomal recessive limb-girdle muscular dystrophy type 2J (LGMDR10). Also called: Limb-girdle muscular dystrophy, type 2J; MUSCULAR DYSTROPHY, LIMB-GIRDLE, AUTOSOMAL RECESSIVE 10. Identifiers: Orphanet 140922, MedGen C1837342, MONDO:0012127, OMIM 608807.

Submission:

Labcorp Genetics (formerly Invitae), Labcorp
Classification: Uncertain significance for Dilated cardiomyopathy 1G; Autosomal recessive limb-girdle muscular dystrophy type 2J. Last evaluated: 2020-03-19. Review status: criteria provided, single submitter. Criteria: Invitae Variant Classification Sherloc (09022015). Collection method: clinical testing. Allele origin: germline.
Comment: This variant results in a copy number gain of the genomic region encompassing the full coding sequence of the TTN gene. The boundaries of this event are unknown as they extend beyond the assayed region for this gene and therefore may encompass additional genes. As the precise location of this event is unknown, it may be in tandem or it may be located elsewhere in the genome. This variant has not been reported in the literature in individuals with TTN-related conditions. Experimental studies and prediction algorithms are not available or were not evaluated, and the functional significance of this variant is currently unknown. In summary, the available evidence is currently insufficient to determine the role of this variant in disease. Therefore, it has been classified as a Variant of Uncertain Significance.